The following is an entry in ClinVar:

NM_000246.4(CIITA):c.2072C>A (p.Ala691Asp)

Gene: CIITA (class II major histocompatibility complex transactivator; plus strand). Cytogenetic location: 16p13.13.
Variant type: single nucleotide variant.
Coding change: c.2072C>A on transcript NM_000246.4 (MANE Select); coding-DNA position 2072, C replaced by A.
Protein change: p.Ala691Asp; replaces alanine 691 with aspartic acid.
Molecular consequence: missense variant. On other transcripts: intron variant (1).
Genome position (GRCh38, 1-based): chr16:10,907,564, C>A. VCF-style: chr16-10907564-C-A. GRCh37 (hg19) VCF-style: chr16-11001421-C-A.
Other names: c.2075C>A, p.Ala692Asp (NM_001286402.1, NM_001379332.1); c.1928C>A, p.Ala643Asp (NM_001379330.1); c.1925C>A, p.Ala642Asp (NM_001379331.1); c.2072C>A, p.Ala691Asp (NM_001379333.1); c.2003C>A, p.Ala668Asp (NM_001379334.1); c.860-1419C>A (NM_001286403.2); short protein forms A691D, A692D, A642D, A643D, A668D.
Identifiers: ClinVar variation 317702 (VCV000317702.22), dbSNP rs78108426, ClinGen allele CA7900284.

ClinVar aggregate classification (germline): Benign/Likely benign. Review status: criteria provided, multiple submitters, no conflicts (2 of 4 stars). 7 submissions from 7 submitters: Benign (4); Likely benign (1). 2 of the submissions do not count toward it. Last evaluated 2026-03-30.

Conditions:
CIITA-related disorder. Also called: CIITA-related condition.
MHC class II deficiency. Also called: BLS, TYPE II; Bare lymphocyte syndrome 2. Identifiers: Orphanet 572, MedGen C5447452, MONDO:0008855.

Allele frequency attached by ClinVar (database versions not stated): ESP Exome Variant Server 0.01047; gnomAD 0.01496 and 0.01674; TOPMed 0.02165; ExAC 0.02220; 1000 Genomes Project 30x 0.04091; 1000 Genomes Project 0.04473.
gnomAD v4.1: 22,156 of 1,614,164 alleles (1.4%); highest among the groups gnomAD compares: East Asian, 13%; 573 homozygotes.

Submissions (7):

Women's Health and Genetics/Laboratory Corporation of America, LabCorp
Classification: Likely benign. Last evaluated: 2026-03-30. Review status: criteria provided, single submitter. Criteria: LabCorp Variant Classification Summary - May 2015. Collection method: clinical testing. Allele origin: germline.

Labcorp Genetics (formerly Invitae), Labcorp
Classification: Benign for MHC class II deficiency. Last evaluated: 2026-02-04. Review status: criteria provided, single submitter. Criteria: Invitae Variant Classification Sherloc (09022015). Collection method: clinical testing. Allele origin: germline.

Illumina Laboratory Services, Illumina
Classification: Benign for MHC class II deficiency 1. Last evaluated: 2018-01-12. Review status: criteria provided, single submitter. Criteria: ICSL Variant Classification Criteria 13 December 2019. Collection method: clinical testing. Allele origin: germline.
Comment: This variant was observed in the ICSL laboratory as part of a predisposition screen in an ostensibly healthy population. It had not been previously curated by ICSL or reported in the Human Gene Mutation Database (HGMD: prior to June 1st, 2018), and was therefore a candidate for classification through an automated scoring system. Utilizing variant allele frequency, disease prevalence and penetrance estimates, and inheritance mode, an automated score was calculated to assess if this variant is too frequent to cause the disease. Based on the score and internal cut-off values, a variant classified as benign is not then subjected to further curation. The score for this variant resulted in a classification of benign for this disease.

Laboratory for Molecular Medicine, Mass General Brigham Personalized Medicine
Classification: Benign. Last evaluated: 2016-03-28. Review status: criteria provided, single submitter. Criteria: LMM Criteria. Collection method: clinical testing. Allele origin: germline.
Comment: Variant identified in a genome or exome case(s) and assessed due to predicted null impact of the variant or pathogenic assertions in the literature or databases. Disclaimer: This variant has not undergone full assessment. The following are preliminary notes: Frequency

Breakthrough Genomics
Classification: Benign. Review status: criteria provided, single submitter. Criteria: ACMG Guidelines, 2015. Collection method: not provided. Allele origin: germline. Inheritance: Autosomal recessive inheritance. Affected: yes.

Natera, Inc.
Classification: Benign for Bare lymphocyte syndrome type II. Last evaluated: 2020-09-16. Review status: no assertion criteria provided. Collection method: clinical testing. Allele origin: germline. Not counted in ClinVar's aggregate classification.

PreventionGenetics, part of Exact Sciences
Classification: Benign for CIITA-related condition. Last evaluated: 2019-09-23. Review status: no assertion criteria provided. Collection method: clinical testing. Allele origin: germline. Not counted in ClinVar's aggregate classification.
Comment: This variant is classified as benign based on ACMG/AMP sequence variant interpretation guidelines (Richards et al. 2015 PMID: 25741868, with internal and published modifications).